The following is an entry in ClinVar:

NM_000384.3(APOB):c.11999C>T (p.Ser4000Leu)

Gene: APOB (apolipoprotein B; minus strand). Cytogenetic location: 2p24.1.
Variant type: single nucleotide variant.
Coding change: c.11999C>T on transcript NM_000384.3 (MANE Select); coding-DNA position 11999, C replaced by T.
Protein change: p.Ser4000Leu; replaces serine 4000 with leucine.
Molecular consequence: missense variant.
Genome position (GRCh38, 1-based): chr2:21,004,357, G>A on the plus strand (C>T on the coding strand, the complement: APOB is on the minus strand). VCF-style: chr2-21004357-G-A. GRCh37 (hg19) VCF-style: chr2-21227229-G-A.
Other names: short protein forms S4000L.
Identifiers: ClinVar variation 5040098 (VCV005040098.1).

ClinVar aggregate classification (germline): Uncertain significance (1 of 4 stars; one submission).

Submission:

CeGaT Center for Human Genetics Tuebingen
Classification: Uncertain significance. Last evaluated: 2026-07-01. Review status: criteria provided, single submitter. Criteria: CeGaT Center For Human Genetics Tuebingen Variant Classification Criteria Version 2. Collection method: clinical testing. Allele origin: germline. Affected: yes. Observed: 1 variant allele.
Comment: APOB: PM2, BP4